The following is an entry in ClinVar:

ClinVar aggregate classification (germline): Uncertain significance (1 of 4 stars; one submission).

Submission:

CeGaT Center for Human Genetics Tuebingen
Classification: Uncertain significance. Last evaluated: 2024-11-01. Review status: criteria provided, single submitter. Criteria: CeGaT Center For Human Genetics Tuebingen Variant Classification Criteria Version 2. Collection method: clinical testing. Allele origin: germline. Affected: yes. Observed: 1 variant allele.
Comment: KMT2E: PM2

NM_182931.3(KMT2E):c.35C>G (p.Ala12Gly)

Gene: KMT2E (lysine methyltransferase 2E (inactive); plus strand). Cytogenetic location: 7q22.3.
Variant type: single nucleotide variant.
Coding change: c.35C>G on transcript NM_182931.3 (MANE Select); coding-DNA position 35, C replaced by G.
Protein change: p.Ala12Gly; replaces alanine 12 with glycine.
Molecular consequence: missense variant.
Genome position (GRCh38, 1-based): chr7:105,040,987, C>G. VCF-style: chr7-105040987-C-G. GRCh37 (hg19) VCF-style: chr7-104681434-C-G.
Other names: c.35C>G, p.Ala12Gly (NM_001410908.1, NM_018682.4); short protein forms A12G.
Identifiers: ClinVar variation 3390075 (VCV003390075.14).
Genomic context (GRCh38, chr7:105,040,987, plus strand): 5'-AATCGAATTTACCAGAGGCGAACGTCATGAGCATAGTGATCCCATTGGGGGTTGATACAG[C>G]AGAGACGTCATACTTGGAAATGGCTGCAGGTTCAGAGTAAGTATTTAAATTGGTTACATA-3'
Protein context (NP_891847.1, residues 2-22): SIVIPLGVDT[Ala12Gly]ETSYLEMAAG